The following is an entry in ClinVar:

NM_006361.6(HOXB13):c.65G>T (p.Gly22Val)

Gene: HOXB13 (homeobox B13; minus strand). Cytogenetic location: 17q21.32.
Variant type: single nucleotide variant.
Coding change: c.65G>T on transcript NM_006361.6 (MANE Select); coding-DNA position 65, G replaced by T.
Protein change: p.Gly22Val; replaces glycine 22 with valine.
Molecular consequence: missense variant.
Genome position (GRCh38, 1-based): chr17:48,728,529, C>A on the plus strand (G>T on the coding strand, the complement: HOXB13 is on the minus strand). VCF-style: chr17-48728529-C-A. GRCh37 (hg19) VCF-style: chr17-46805891-C-A.
Other names: short protein forms G22V.
Identifiers: ClinVar variation 2801622 (VCV002801622.4), dbSNP rs1451955949, ClinGen allele CA400109626.

ClinVar aggregate classification (germline): Uncertain significance. Review status: criteria provided, multiple submitters, no conflicts (2 of 4 stars). 2 submissions from 2 submitters: Uncertain significance (2). Last evaluated 2025-12-28.

Conditions:
Hereditary cancer-predisposing syndrome. Also called: Hereditary neoplastic syndrome; Neoplastic Syndromes, Hereditary; Hereditary Cancer Syndrome; Tumor predisposition. Identifiers: Orphanet 140162, MedGen C0027672, MeSH D009386, MONDO:0015356.

Submissions (2):

Labcorp Genetics (formerly Invitae), Labcorp
Classification: Uncertain significance. Last evaluated: 2025-12-28. Review status: criteria provided, single submitter. Criteria: Invitae Variant Classification Sherloc (09022015). Collection method: clinical testing. Allele origin: germline.
Comment: This sequence change replaces glycine, which is neutral and non-polar, with valine, which is neutral and non-polar, at codon 22 of the HOXB13 protein (p.Gly22Val). This variant is not present in population databases (gnomAD no frequency). This variant has not been reported in the literature in individuals affected with HOXB13-related conditions. ClinVar contains an entry for this variant (Variation ID: 2801622). An algorithm developed to predict the effect of missense changes on protein structure and function (PolyPhen-2) suggests that this variant is likely to be disruptive. In summary, the available evidence is currently insufficient to determine the role of this variant in disease. Therefore, it has been classified as a Variant of Uncertain Significance.

Ambry Genetics
Classification: Uncertain significance for Hereditary cancer-predisposing syndrome. Last evaluated: 2024-05-31. Review status: criteria provided, single submitter. Criteria: Ambry Variant Classification Scheme 2023. Collection method: clinical testing. Allele origin: germline.
Comment: The p.G22V variant (also known as c.65G>T), located in coding exon 1 of the HOXB13 gene, results from a G to T substitution at nucleotide position 65. The glycine at codon 22 is replaced by valine, an amino acid with dissimilar properties. This amino acid position is conserved. In addition, this alteration is predicted to be tolerated by in silico analysis. Based on the available evidence, the clinical significance of this variant remains unclear.